The following is an entry in ClinVar:

ClinVar aggregate classification (germline): Uncertain significance. Review status: criteria provided, multiple submitters, no conflicts (2 of 4 stars). 2 submissions from 2 submitters: Uncertain significance (2). Last evaluated 2025-11-01.

Conditions:
Neutropenia, severe congenital, 2, autosomal dominant. Identifiers: Orphanet 486, MedGen C2751288, MONDO:0013139, OMIM 613107.

gnomAD v4.1: 46 of 1,614,080 alleles (0.0028%); highest among the groups gnomAD compares: Non-Finnish European, 0.0011%; no homozygotes.

Submissions (2):

Labcorp Genetics (formerly Invitae), Labcorp
Classification: Uncertain significance for Neutropenia, severe congenital, 2, autosomal dominant. Last evaluated: 2025-11-01. Review status: criteria provided, single submitter. Criteria: Invitae Variant Classification Sherloc (09022015). Collection method: clinical testing. Allele origin: germline.
Comment: This sequence change replaces arginine, which is basic and polar, with tryptophan, which is neutral and slightly polar, at codon 82 of the GFI1 protein (p.Arg82Trp). This variant is present in population databases (rs759852404, gnomAD 0.04%), and has an allele count higher than expected for a pathogenic variant. This variant has not been reported in the literature in individuals affected with GFI1-related conditions. ClinVar contains an entry for this variant (Variation ID: 3853724). Invitae Evidence Modeling of protein sequence and biophysical properties (such as structural, functional, and spatial information, amino acid conservation, physicochemical variation, residue mobility, and thermodynamic stability) indicates that this missense variant is not expected to disrupt GFI1 protein function with a negative predictive value of 80%. In summary, the available evidence is currently insufficient to determine the role of this variant in disease. Therefore, it has been classified as a Variant of Uncertain Significance.

Ambry Genetics
Classification: Uncertain significance. Last evaluated: 2025-02-16. Review status: criteria provided, single submitter. Criteria: Ambry Variant Classification Scheme 2023. Collection method: clinical testing. Allele origin: germline.
Comment: The p.R82W variant (also known as c.244C>T), located in coding exon 2 of the GFI1 gene, results from a C to T substitution at nucleotide position 244. The arginine at codon 82 is replaced by tryptophan, an amino acid with dissimilar properties. This amino acid position is conserved. In addition, this alteration is predicted to be tolerated by in silico analysis. Based on the available evidence, the clinical significance of this variant remains unclear.

NM_005263.5(GFI1):c.244C>T (p.Arg82Trp)

Gene: GFI1 (growth factor independent 1 transcriptional repressor; minus strand). Cytogenetic location: 1p22.1.
Variant type: single nucleotide variant.
Coding change: c.244C>T on transcript NM_005263.5 (MANE Select); coding-DNA position 244, C replaced by T.
Protein change: p.Arg82Trp; replaces arginine 82 with tryptophan.
Molecular consequence: missense variant.
Genome position (GRCh38, 1-based): chr1:92,482,918, G>A on the plus strand (C>T on the coding strand, the complement: GFI1 is on the minus strand). VCF-style: chr1-92482918-G-A. GRCh37 (hg19) VCF-style: chr1-92948475-G-A.
Other names: c.244C>T, p.Arg82Trp (NM_001127215.3, NM_001127216.3); short protein forms R82W.
Identifiers: ClinVar variation 3853724 (VCV003853724.2).